The following is an entry in ClinVar:

NM_020207.7(ERCC6L2):c.570A>T (p.Glu190Asp)

Gene: ERCC6L2 (ERCC excision repair 6 like 2; plus strand). Cytogenetic location: 9q22.32.
Variant type: single nucleotide variant.
Coding change: c.570A>T on transcript NM_020207.7 (MANE Select); coding-DNA position 570, A replaced by T.
Protein change: p.Glu190Asp; replaces glutamic acid 190 with aspartic acid.
Molecular consequence: missense variant. On other transcripts: non-coding transcript variant (1).
Genome position (GRCh38, 1-based): chr9:95,897,947, A>T. VCF-style: chr9-95897947-A-T. GRCh37 (hg19) VCF-style: chr9-98660229-A-T.
Other names: c.570A>T, p.Glu190Asp (NM_001010895.4, NM_001375291.1, NM_001375292.1 and 2 more transcripts); short protein forms E190D.
Identifiers: ClinVar variation 3845840 (VCV003845840.1).
Genomic context (GRCh38, chr9:95,897,947, plus strand): 5'-AACTCGTGAGGATATTGAAAATAACATGCCAGAGTTTTTACTAAGAAGTATGAAAAAGGA[A>T]CCCCTTTCTTCTACAGCAAAAAAGGTAAAATCTCTAGACAATGTATATTCTACTCATGAT-3'
Protein context (NP_064592.3, residues 180-200): PEFLLRSMKK[Glu190Asp]PLSSTAKKMF

ClinVar aggregate classification (germline): Uncertain significance (1 of 4 stars; one submission).

Conditions:
Inborn genetic diseases. Identifiers: MedGen C0950123, MeSH D030342.

gnomAD v4.1: 1 of 1,611,676 alleles (0.000062%); highest among the groups gnomAD compares: Non-Finnish European, 0.000085%; no homozygotes.

Submission:

Ambry Genetics
Classification: Uncertain significance for Inborn genetic diseases. Last evaluated: 2025-01-03. Review status: criteria provided, single submitter. Criteria: Ambry Variant Classification Scheme 2023. Collection method: clinical testing. Allele origin: germline.
Comment: The p.E190D variant (also known as c.570A>T), located in coding exon 3 of the ERCC6L2 gene, results from an A to T substitution at nucleotide position 570. The glutamic acid at codon 190 is replaced by aspartic acid, an amino acid with highly similar properties. This amino acid position is conserved. In addition, this alteration is predicted to be tolerated by in silico analysis. Based on the available evidence, the clinical significance of this variant remains unclear.